The following is an entry in ClinVar:

NM_001382567.1(STIM1):c.1148T>C (p.Ile383Thr)

Gene: STIM1 (stromal interaction molecule 1; plus strand). Cytogenetic location: 11p15.4.
Variant type: single nucleotide variant.
Coding change: c.1148T>C on transcript NM_001382567.1 (MANE Select); coding-DNA position 1148, T replaced by C.
Protein change: p.Ile383Thr; replaces isoleucine 383 with threonine.
Molecular consequence: missense variant. On other transcripts: non-coding transcript variant (2).
Genome position (GRCh38, 1-based): chr11:4,082,892, T>C. VCF-style: chr11-4082892-T-C. GRCh37 (hg19) VCF-style: chr11-4104122-T-C.
Other names: c.1148T>C, p.Ile383Thr (NM_001277961.3, NM_001277962.2, NM_001382568.1 and 1 more transcripts); c.926T>C, p.Ile309Thr (NM_001382566.1, NM_001382573.1, NM_001382575.1 and 4 more transcripts); c.1013T>C, p.Ile338Thr (NM_001382569.1); c.920T>C, p.Ile307Thr (NM_001382570.1); c.668T>C, p.Ile223Thr (NM_001382571.1); c.659T>C, p.Ile220Thr (NM_001382580.1, NM_001382581.1); short protein forms I307T, I220T, I309T, I383T, I223T, I338T.
Identifiers: ClinVar variation 2054731 (VCV002054731.6), dbSNP rs748912734, ClinGen allele CA5830415.

ClinVar aggregate classification (germline): Uncertain significance. Review status: criteria provided, multiple submitters, no conflicts (2 of 4 stars). 2 submissions from 2 submitters: Uncertain significance (2). Last evaluated 2026-02-20.

Conditions:
Stormorken syndrome (STRMK). Also called: THROMBOCYTOPATHY, ASPLENIA, AND MIOSIS. Identifiers: Orphanet 3204, MedGen C1861451, MONDO:0008497, OMIM 185070.
Combined immunodeficiency due to STIM1 deficiency. Also called: STIM1 DEFICIENCY; IMMUNODEFICIENCY 10. Identifiers: Orphanet 169090, Orphanet 317430, MedGen C2748557, MONDO:0013008, OMIM 612783.
Myopathy with tubular aggregates (TAM). Also called: Tubular Aggregate Myopathy. Identifiers: Orphanet 2593, MedGen C0410207, MONDO:0008051.

Allele frequency attached by ClinVar (database versions not stated): gnomAD exomes below 0.00001; TOPMed below 0.00001; ExAC 0.00001.
gnomAD v4.1: 3 of 1,613,950 alleles (0.00019%); highest among the groups gnomAD compares: Non-Finnish European, 0.00025%; no homozygotes.

Submissions (2):

Dasa
Classification: Uncertain significance. Last evaluated: 2026-02-20. Review status: criteria provided, single submitter. Criteria: DASA Assertion Criteria. Collection method: clinical testing. Allele origin: germline.
Comment: NM_001382567.1(STIM1):c.1148T>C (p.Ile383Thr) is a missense variant that results in the substitution of isoleucine with threonine. This variant is rare in population databases. Computational prediction algorithms are consistent with a deleterious effect. The currently available literature and clinical evidence are not sufficient to establish a definitive association between this variant and the reported condition. Therefore, this variant is classified as a variant of uncertain significance.

Labcorp Genetics (formerly Invitae), Labcorp
Classification: Uncertain significance for Myopathy with tubular aggregates; Combined immunodeficiency due to STIM1 deficiency; Stormorken syndrome. Last evaluated: 2025-05-23. Review status: criteria provided, single submitter. Criteria: Invitae Variant Classification Sherloc (09022015). Collection method: clinical testing. Allele origin: germline.
Comment: This sequence change replaces isoleucine, which is neutral and non-polar, with threonine, which is neutral and polar, at codon 383 of the STIM1 protein (p.Ile383Thr). This variant is present in population databases (rs748912734, gnomAD 0.002%). This variant has not been reported in the literature in individuals affected with STIM1-related conditions. ClinVar contains an entry for this variant (Variation ID: 2054731). Invitae Evidence Modeling of protein sequence and biophysical properties (such as structural, functional, and spatial information, amino acid conservation, physicochemical variation, residue mobility, and thermodynamic stability) has been performed for this missense variant. However, the output from this modeling did not meet the statistical confidence thresholds required to predict the impact of this variant on STIM1 protein function. In summary, the available evidence is currently insufficient to determine the role of this variant in disease. Therefore, it has been classified as a Variant of Uncertain Significance.